The following is an entry in ClinVar:

ClinVar aggregate classification (germline): Benign/Likely benign. Review status: criteria provided, multiple submitters, no conflicts (2 of 4 stars). 3 submissions from 3 submitters: Benign (1); Likely benign (2). Last evaluated 2026-04-29.

Conditions:
Colorectal cancer, hereditary nonpolyposis, type 7. Identifiers: Orphanet 144, MedGen C1858380, MONDO:0013725, OMIM 614385.

Allele frequency attached by ClinVar (database versions not stated): TOPMed 0.00001.

Submissions (3):

Myriad Genetics, Inc.
Classification: Benign for Colorectal cancer, hereditary nonpolyposis, type 7. Last evaluated: 2026-04-29. Review status: criteria provided, single submitter. Criteria: Myriad Autosomal Dominant, Autosomal Recessive and X-Linked Classification Criteria (2023). Collection method: clinical testing. Allele origin: unknown.
Comment: This variant is considered benign. This variant is a silent/synonymous amino acid change and it is not expected to impact splicing.

Ambry Genetics
Classification: Likely benign. Last evaluated: 2021-09-16. Review status: criteria provided, single submitter. Criteria: Ambry Variant Classification Scheme 2023. Collection method: clinical testing. Allele origin: germline.

Labcorp Genetics (formerly Invitae), Labcorp
Classification: Likely benign for Colorectal cancer, hereditary nonpolyposis, type 7. Last evaluated: 2019-06-28. Review status: criteria provided, single submitter. Criteria: Invitae Variant Classification Sherloc (09022015). Collection method: clinical testing. Allele origin: germline.

NM_001040108.2(MLH3):c.948G>A (p.Glu316=)

Gene: MLH3 (mutL homolog 3; minus strand). Cytogenetic location: 14q24.3.
Variant type: single nucleotide variant.
Coding change: c.948G>A on transcript NM_001040108.2 (MANE Select); coding-DNA position 948, G replaced by A.
Protein change: p.Glu316=; no amino-acid change (glutamic acid 316 retained).
Molecular consequence: synonymous variant.
Genome position (GRCh38, 1-based): chr14:75,048,708, C>T on the plus strand (G>A on the coding strand, the complement: MLH3 is on the minus strand). VCF-style: chr14-75048708-C-T. GRCh37 (hg19) VCF-style: chr14-75515411-C-T.
Other names: c.948G>A, p.Glu316= (NM_014381.3).
Identifiers: ClinVar variation 1137944 (VCV001137944.12), dbSNP rs750723376, ClinGen allele CA7275939.